The following is an entry in ClinVar:

NM_001723.7(DST):c.4148G>C (p.Arg1383Thr)

Gene: DST (dystonin; minus strand). Cytogenetic location: 6p12.1.
Variant type: single nucleotide variant.
Coding change: c.4148G>C on transcript NM_001723.7 (MANE Plus Clinical); coding-DNA position 4148, G replaced by C.
Protein change: p.Arg1383Thr; replaces arginine 1383 with threonine.
Molecular consequence: missense variant. On other transcripts: intron variant (10).
Genome position (GRCh38, 1-based): chr6:56,619,886, C>G on the plus strand (G>C on the coding strand, the complement: DST is on the minus strand). VCF-style: chr6-56619886-C-G. GRCh37 (hg19) VCF-style: chr6-56484684-C-G.
Other names: c.4830+4644G>C (NM_001144769.5); c.4929+4644G>C (NM_001374722.1, NM_001374736.1); c.4956+4644G>C (NM_001374734.1); c.4416+4644G>C (NM_001144770.2); c.4296+4644G>C (NM_001374730.1, NM_001386100.1, NM_183380.4 and 1 more transcripts); c.3318+4644G>C (NM_015548.5); short protein forms R1383T.
Identifiers: ClinVar variation 1901865 (VCV001901865.5), dbSNP rs1179427502, ClinGen allele CA364570318.

ClinVar aggregate classification (germline): Uncertain significance (1 of 4 stars; one submission).

Conditions:
Hereditary sensory and autonomic neuropathy type 6. Also called: HSAN VI; Neuropathy, hereditary sensory and autonomic, type VI. Identifiers: Orphanet 314381, MedGen C3539003, MONDO:0013839, OMIM 614653.
Epidermolysis bullosa simplex 3, localized or generalized intermediate, with BP230 deficiency (EBS3). Also called: Epidermolysis bullosa simplex, autosomal recessive 2; Epidermolysis bullosa simplex due to BP230 deficiency. Identifiers: Orphanet 412181, MedGen C3809470, MONDO:0014180, OMIM 615425.

Allele frequency attached by ClinVar (database versions not stated): gnomAD exomes below 0.00001; TOPMed below 0.00001.
gnomAD v4.1: 1 of 1,614,132 alleles (0.000062%); highest among the groups gnomAD compares: Admixed American, 0.0017%; no homozygotes.

Submission:

Labcorp Genetics (formerly Invitae), Labcorp
Classification: Uncertain significance for Epidermolysis bullosa simplex 3, localized or generalized intermediate, with BP230 deficiency; Hereditary sensory and autonomic neuropathy type 6. Last evaluated: 2022-08-20. Review status: criteria provided, single submitter. Criteria: Invitae Variant Classification Sherloc (09022015). Collection method: clinical testing. Allele origin: germline.
Comment: Algorithms developed to predict the effect of missense changes on protein structure and function (SIFT, PolyPhen-2, Align-GVGD) all suggest that this variant is likely to be tolerated. This variant has not been reported in the literature in individuals affected with DST-related conditions. This variant is present in population databases (no rsID available, gnomAD 0.003%). This sequence change replaces arginine, which is basic and polar, with threonine, which is neutral and polar, at codon 1383 of the DST protein (p.Arg1383Thr). In summary, the available evidence is currently insufficient to determine the role of this variant in disease. Therefore, it has been classified as a Variant of Uncertain Significance.